The following is an entry in ClinVar:

NM_000548.5(TSC2):c.4031A>G (p.Glu1344Gly)

Gene: TSC2 (TSC complex subunit 2; plus strand). Cytogenetic location: 16p13.3.
Variant type: single nucleotide variant.
Coding change: c.4031A>G on transcript NM_000548.5 (MANE Select); coding-DNA position 4031, A replaced by G.
Protein change: p.Glu1344Gly; replaces glutamic acid 1344 with glycine.
Molecular consequence: missense variant.
Genome position (GRCh38, 1-based): chr16:2,084,253, A>G. VCF-style: chr16-2084253-A-G. GRCh37 (hg19) VCF-style: chr16-2134254-A-G.
Other names: c.3830A>G, p.Glu1277Gly (NM_001077183.3); c.3962A>G, p.Glu1321Gly (NM_001114382.3); c.3722A>G, p.Glu1241Gly (NM_001318827.2); c.3686A>G, p.Glu1229Gly (NM_001318829.2); c.3299A>G, p.Glu1100Gly (NM_001318831.2); c.3863A>G, p.Glu1288Gly (NM_001318832.2); c.3833A>G, p.Glu1278Gly (NM_001363528.2); c.3899A>G, p.Glu1300Gly (NM_001370404.1); and 1 more; short protein forms E1229G, E1277G, E1241G, E1278G, E1288G, E1344G, E1100G, E1300G.
Identifiers: ClinVar variation 954178 (VCV000954178.12), dbSNP rs2090482288, ClinGen allele CA394299251.

ClinVar aggregate classification (germline): Uncertain significance. Review status: criteria provided, multiple submitters, no conflicts (2 of 4 stars). 3 submissions from 3 submitters: Uncertain significance (3). Last evaluated 2024-09-14.

Conditions:
Tuberous sclerosis 2 (TSC2). Identifiers: Orphanet 805, MedGen C1860707, MONDO:0013199, OMIM 613254.
Lymphangiomyomatosis (LAM). Also called: Lymphangioleiomyomatosis, somatic; Lymphangioleiomyomatosis. Identifiers: Orphanet 538, MedGen C0751674, MONDO:0011705, OMIM 606690.
Isolated focal cortical dysplasia type II (FCORD2). Also called: Focal cortical dysplasia type II; CORTICAL DYSPLASIA OF TAYLOR. Identifiers: Orphanet 268994, MedGen C1846385, MONDO:0011818, OMIM 607341, HP:0032051.
Hereditary cancer-predisposing syndrome. Also called: Hereditary neoplastic syndrome; Tumor predisposition; Neoplastic Syndromes, Hereditary; Hereditary Cancer Syndrome. Identifiers: Orphanet 140162, MedGen C0027672, MeSH D009386, MONDO:0015356.

Allele frequency attached by ClinVar (database versions not stated): gnomAD exomes below 0.00001; TOPMed below 0.00001.
gnomAD v4.1: 1 of 1,603,570 alleles (0.000062%); highest among the groups gnomAD compares: Non-Finnish European, 0.000085%; no homozygotes.

Submissions (3):

Labcorp Genetics (formerly Invitae), Labcorp
Classification: Uncertain significance for Tuberous sclerosis 2. Last evaluated: 2024-09-14. Review status: criteria provided, single submitter. Criteria: Invitae Variant Classification Sherloc (09022015). Collection method: clinical testing. Allele origin: germline.
Comment: This sequence change replaces glutamic acid, which is acidic and polar, with glycine, which is neutral and non-polar, at codon 1344 of the TSC2 protein (p.Glu1344Gly). This variant is not present in population databases (gnomAD no frequency). This variant has not been reported in the literature in individuals affected with TSC2-related conditions. ClinVar contains an entry for this variant (Variation ID: 954178). Invitae Evidence Modeling of protein sequence and biophysical properties (such as structural, functional, and spatial information, amino acid conservation, physicochemical variation, residue mobility, and thermodynamic stability) indicates that this missense variant is not expected to disrupt TSC2 protein function with a negative predictive value of 95%. In summary, the available evidence is currently insufficient to determine the role of this variant in disease. Therefore, it has been classified as a Variant of Uncertain Significance.

Ambry Genetics
Classification: Uncertain significance for Hereditary cancer-predisposing syndrome. Last evaluated: 2024-08-05. Review status: criteria provided, single submitter. Criteria: Ambry Variant Classification Scheme 2023. Collection method: clinical testing. Allele origin: germline.
Comment: The p.E1344G variant (also known as c.4031A>G), located in coding exon 33 of the TSC2 gene, results from an A to G substitution at nucleotide position 4031. The glutamic acid at codon 1344 is replaced by glycine, an amino acid with similar properties. This amino acid position is well conserved in available vertebrate species. In addition, this alteration is predicted to be deleterious by in silico analysis. Based on the available evidence, the clinical significance of this variant remains unclear.

Fulgent Genetics
Classification: Uncertain significance for Lymphangiomyomatosis; Isolated focal cortical dysplasia type II; Tuberous sclerosis 2. Last evaluated: 2021-09-20. Review status: criteria provided, single submitter. Criteria: ACMG Guidelines, 2015. Collection method: clinical testing. Allele origin: unknown.